The following is an entry in ClinVar:

NM_003906.5(MCM3AP):c.5926G>A (p.Asp1976Asn)

Genes: MCM3AP (minichromosome maintenance complex component 3 associated protein; minus strand), MCM3AP-AS1 (MCM3AP antisense RNA 1; plus strand). Cytogenetic location: 21q22.3.
Variant type: single nucleotide variant.
Coding change: c.5926G>A on transcript NM_003906.5 (MANE Select); coding-DNA position 5926, G replaced by A.
Protein change: p.Asp1976Asn; replaces aspartic acid 1976 with asparagine.
Molecular consequence: missense variant.
Genome position (GRCh38, 1-based): chr21:46,235,285, C>T on the plus strand (G>A on the coding strand, the complement: MCM3AP is on the minus strand). VCF-style: chr21-46235285-C-T. GRCh37 (hg19) VCF-style: chr21-47655199-C-T.
Other names: short protein forms D1976N.
Identifiers: ClinVar variation 1396191 (VCV001396191.7), dbSNP rs1220310978, ClinGen allele CA410532392.

ClinVar aggregate classification (germline): Uncertain significance (1 of 4 stars; one submission).

Allele frequency attached by ClinVar (database versions not stated): gnomAD 0.00001; gnomAD exomes 0.00001 and 0.00003.
gnomAD v4.1: 6 of 1,614,090 alleles (0.00037%); highest among the groups gnomAD compares: East Asian, 0.0067%; no homozygotes.

Submission:

Labcorp Genetics (formerly Invitae), Labcorp
Classification: Uncertain significance. Last evaluated: 2022-07-05. Review status: criteria provided, single submitter. Criteria: Invitae Variant Classification Sherloc (09022015). Collection method: clinical testing. Allele origin: germline.
Comment: This sequence change replaces aspartic acid, which is acidic and polar, with asparagine, which is neutral and polar, at codon 1976 of the MCM3AP protein (p.Asp1976Asn). In summary, the available evidence is currently insufficient to determine the role of this variant in disease. Therefore, it has been classified as a Variant of Uncertain Significance. Algorithms developed to predict the effect of missense changes on protein structure and function are either unavailable or do not agree on the potential impact of this missense change (SIFT: "Deleterious"; PolyPhen-2: "Benign"; Align-GVGD: "Class C0"). ClinVar contains an entry for this variant (Variation ID: 1396191). This variant has not been reported in the literature in individuals affected with MCM3AP-related conditions. This variant is present in population databases (no rsID available, gnomAD 0.03%).